The following is an entry in ClinVar:

ClinVar aggregate classification (germline): Likely pathogenic (1 of 4 stars; one submission).

Conditions:
Developmental and epileptic encephalopathy, 13 (DEE13). Also called: Early infantile epileptic encephalopathy 13; SCN8A-Related Epilepsy; Developmental and Epileptic Encephalopathy (SCN8A-DEE). Identifiers: Orphanet 442835, MedGen C3281191, MONDO:0013801, OMIM 614558.

Submission:

Centre for Mendelian Genomics, University Medical Centre Ljubljana
Classification: Likely pathogenic for Developmental and epileptic encephalopathy, 13. Last evaluated: 2016-01-01. Review status: criteria provided, single submitter. Criteria: ACMG Guidelines, 2015. Collection method: clinical testing. Allele origin: unknown. Affected: yes.
Comment: This variant was classified as: Likely pathogenic. The following ACMG criteria were applied in classifying this variant: PM2,PM6,PM1,PP3. This variant arose de novo in at least one reported proband.

NM_001330260.2(SCN8A):c.2617G>T (p.Gly873Cys)

Gene: SCN8A (sodium voltage-gated channel alpha subunit 8; plus strand). Cytogenetic location: 12q13.13.
Variant type: single nucleotide variant.
Coding change: c.2617G>T on transcript NM_001330260.2 (MANE Select); coding-DNA position 2617, G replaced by T.
Protein change: p.Gly873Cys; replaces glycine 873 with cysteine.
Molecular consequence: missense variant.
Genome position (GRCh38, 1-based): chr12:51,765,743, G>T. VCF-style: chr12-51765743-G-T. GRCh37 (hg19) VCF-style: chr12-52159527-G-T.
Other names: c.2617G>T, p.Gly873Cys (NM_001177984.3, NM_001369788.1, NM_014191.4); short protein forms G873C.
Identifiers: ClinVar variation 930337 (VCV000930337.3), dbSNP rs1942828530, ClinGen allele CA384887193.
Genomic context (GRCh38, chr12:51,765,743, plus strand): 5'-AAATTGGCCAAATCCTGGCCCACCCTGAACATGCTAATCAAGATTATTGGAAATTCAGTG[G>T]GTGCCCTGGGCAACCTGACACTGGTGCTGGCCATTATTGTCTTCATCTTTGCCGTGGTGG-3'
Protein context (NP_001317189.1, residues 863-883): MLIKIIGNSV[Gly873Cys]ALGNLTLVLA